The following is an entry in ClinVar:

NM_003112.5(SP4):c.1043C>G (p.Ala348Gly)

Gene: SP4 (Sp4 transcription factor; plus strand). Cytogenetic location: 7p15.3.
Variant type: single nucleotide variant.
Coding change: c.1043C>G on transcript NM_003112.5 (MANE Select); coding-DNA position 1043, C replaced by G.
Protein change: p.Ala348Gly; replaces alanine 348 with glycine.
Molecular consequence: missense variant.
Genome position (GRCh38, 1-based): chr7:21,430,208, C>G. VCF-style: chr7-21430208-C-G. GRCh37 (hg19) VCF-style: chr7-21469826-C-G.
Other names: c.992C>G, p.Ala331Gly (NM_001326542.2); c.104C>G, p.Ala35Gly (NM_001326543.2); short protein forms A331G, A348G, A35G.
Identifiers: ClinVar variation 3041019 (VCV003041019.2), dbSNP rs137934826, ClinGen allele CA4178306.

ClinVar aggregate classification (germline): Likely benign (0 of 4 stars; one submission).

Conditions:
SP4-related disorder. Also called: SP4-related condition.

Allele frequency attached by ClinVar (database versions not stated): gnomAD exomes 0.00006; ExAC 0.00014; gnomAD 0.00055; TOPMed 0.00060; ESP Exome Variant Server 0.00085.
gnomAD v4.1: 178 of 1,614,182 alleles (0.011%); highest among the groups gnomAD compares: African/African-American, 0.21%; no homozygotes.

Submission:

PreventionGenetics, part of Exact Sciences
Classification: Likely benign for SP4-related condition. Last evaluated: 2023-07-16. Review status: no assertion criteria provided. Collection method: clinical testing. Allele origin: germline.
Comment: This variant is classified as likely benign based on ACMG/AMP sequence variant interpretation guidelines (Richards et al. 2015 PMID: 25741868, with internal and published modifications).